The following is an entry in ClinVar:

ClinVar aggregate classification (germline): Uncertain significance. Review status: criteria provided, multiple submitters, no conflicts (2 of 4 stars). 2 submissions from 2 submitters: Uncertain significance (2). Last evaluated 2024-04-17.

Conditions:
Colorectal cancer, hereditary nonpolyposis, type 7. Identifiers: Orphanet 144, MedGen C1858380, MONDO:0013725, OMIM 614385.

Allele frequency attached by ClinVar (database versions not stated): gnomAD exomes below 0.00001; ExAC 0.00001; gnomAD 0.00001.
gnomAD v4.1: 2 of 1,614,050 alleles (0.00012%); highest among the groups gnomAD compares: South Asian, 0.0011%; no homozygotes.

Submissions (2):

Ambry Genetics
Classification: Uncertain significance. Last evaluated: 2024-04-17. Review status: criteria provided, single submitter. Criteria: Ambry Variant Classification Scheme 2023. Collection method: clinical testing. Allele origin: germline.
Comment: The p.A557V variant (also known as c.1670C>T), located in coding exon 1 of the MLH3 gene, results from a C to T substitution at nucleotide position 1670. The alanine at codon 557 is replaced by valine, an amino acid with similar properties. This amino acid position is conserved. In addition, this alteration is predicted to be tolerated by in silico analysis. Based on the available evidence, the clinical significance of this variant remains unclear.

Labcorp Genetics (formerly Invitae), Labcorp
Classification: Uncertain significance for Colorectal cancer, hereditary nonpolyposis, type 7. Last evaluated: 2023-06-16. Review status: criteria provided, single submitter. Criteria: Invitae Variant Classification Sherloc (09022015). Collection method: clinical testing. Allele origin: germline.
Comment: The frequency data for this variant in the population databases is considered unreliable, as metrics indicate poor data quality at this position in the gnomAD database. This sequence change replaces alanine, which is neutral and non-polar, with valine, which is neutral and non-polar, at codon 557 of the MLH3 protein (p.Ala557Val). This variant has not been reported in the literature in individuals affected with MLH3-related conditions. In summary, the available evidence is currently insufficient to determine the role of this variant in disease. Therefore, it has been classified as a Variant of Uncertain Significance. An algorithm developed to predict the effect of missense changes on protein structure and function (PolyPhen-2) suggests that this variant is likely to be tolerated.

NM_001040108.2(MLH3):c.1670C>T (p.Ala557Val)

Gene: MLH3 (mutL homolog 3; minus strand). Cytogenetic location: 14q24.3.
Variant type: single nucleotide variant.
Coding change: c.1670C>T on transcript NM_001040108.2 (MANE Select); coding-DNA position 1670, C replaced by T.
Protein change: p.Ala557Val; replaces alanine 557 with valine.
Molecular consequence: missense variant.
Genome position (GRCh38, 1-based): chr14:75,047,986, G>A on the plus strand (C>T on the coding strand, the complement: MLH3 is on the minus strand). VCF-style: chr14-75047986-G-A. GRCh37 (hg19) VCF-style: chr14-75514689-G-A.
Other names: c.1670C>T, p.Ala557Val (NM_014381.3); short protein forms A557V.
Identifiers: ClinVar variation 2728061 (VCV002728061.4), dbSNP rs751019293, ClinGen allele CA7275836.